The following is an entry in ClinVar:

NM_001130823.3(DNMT1):c.4875GGA[2] (p.Glu1628del)

Gene: DNMT1 (DNA methyltransferase 1; minus strand). Cytogenetic location: 19p13.2.
Variant type: Microsatellite.
Coding change: c.4875GGA[2] on transcript NM_001130823.3 (MANE Select); two copies in a row of the 3-base unit GGA starting at c.4875; the reference has three copies in a row; one copy, 3 bases deleted; also written c.4881_4883del.
Protein change: p.Glu1628del; deletes glutamic acid 1628.
Genome position (GRCh38, 1-based): chr19:10,133,683-10,133,685, TCC deleted on the plus strand (GGA on the coding strand, the reverse complement: DNMT1 is on the minus strand); deleting any 3 consecutive bases within chr19:10,133,683-10,133,692 gives the same sequence; the position shown is the placement nearest the transcript's 3' end. VCF-style (leftmost placement, unchanged base first): chr19-10133682-TTCC-T. GRCh37 (hg19) VCF-style: chr19-10244358-TTCC-T.
Other names: c.4881_4883del (NM_001130823.3); c.4836GGA[2], p.Glu1615del (NM_001318730.2); c.4512GGA[2], p.Glu1507del (NM_001318731.2); c.4827GGA[2], p.Glu1612del (NM_001379.4); short protein forms E1507del, E1612del, E1615del, E1628del.
Identifiers: ClinVar variation 4851455 (VCV004851455.1).
Genomic context (GRCh38, chr19:10,133,682, plus strand): 5'-TTGGGGATTCCTGGTGCCAGAAACAGGGGTGACGGGAGGGCAGAACTAGTCCTTAGCAGC[TTCC>T]TCCTCCTTTATTTTAGCTGAAGGGAAATAAAAGGAAAAGTCACTCTGGGGAACACGCCCG-3'

ClinVar aggregate classification (germline): Uncertain significance (1 of 4 stars; one submission).

Conditions:
Autosomal dominant cerebellar ataxia, deafness and narcolepsy. Also called: Autosomal Dominant Cerebellar Ataxia, Deafness, and Narcolepsy (ADCA-DN). Identifiers: Orphanet 314404, MedGen C4302668, MONDO:0011397, OMIM 604121.
Hereditary sensory neuropathy-deafness-dementia syndrome. Also called: HSN IE; NEUROPATHY, HEREDITARY SENSORY, WITH HEARING LOSS AND DEMENTIA; Hereditary Sensory and Autonomic Neuropathy Type 1E (HSAN1E); Hereditary sensory neuropathy type IE. Identifiers: Orphanet 456318, MedGen C3279885, MONDO:0013584, OMIM 614116.

Submission:

Institute of Immunology and Genetics Kaiserslautern
Classification: Uncertain significance for Autosomal dominant cerebellar ataxia, deafness and narcolepsy; Hereditary sensory neuropathy-deafness-dementia syndrome. Last evaluated: 2026-01-06. Review status: criteria provided, single submitter. Criteria: ACMG Guidelines, 2015. Collection method: clinical testing. Allele origin: germline. Affected: yes.
Comment: ACMG Criteria: PM2_P, PM4; Variant was found in heterozygous state.